The following is an entry in ClinVar:

NM_001182.5(ALDH7A1):c.986G>C (p.Arg329Thr)

Gene: ALDH7A1 (aldehyde dehydrogenase 7 family member A1; minus strand). Cytogenetic location: 5q23.2.
Variant type: single nucleotide variant.
Coding change: c.986G>C on transcript NM_001182.5 (MANE Select); coding-DNA position 986, G replaced by C.
Protein change: p.Arg329Thr; replaces arginine 329 with threonine.
Molecular consequence: missense variant.
Genome position (GRCh38, 1-based): chr5:126,559,262, C>G on the plus strand (G>C on the coding strand, the complement: ALDH7A1 is on the minus strand). VCF-style: chr5-126559262-C-G. GRCh37 (hg19) VCF-style: chr5-125894954-C-G.
Other names: c.902G>C, p.Arg301Thr (NM_001201377.2); c.986G>C, p.Arg329Thr (NM_001202404.2); short protein forms R301T, R329T.
Identifiers: ClinVar variation 2827572 (VCV002827572.3), dbSNP rs864622558, ClinGen allele CA360726638.

ClinVar aggregate classification (germline): Likely pathogenic (1 of 4 stars; one submission).

Conditions:
Pyridoxine-dependent epilepsy (EPEO4). Also called: Pyridoxine-Dependent Seizures; PYRIDOXINE DEPENDENCY WITH SEIZURES; EPILEPSY, EARLY-ONSET, 4, VITAMIN B6-DEPENDENT; Pyridoxine-Dependent Epilepsy - ALDH7A1. Identifiers: Orphanet 3006, MedGen C1849508, MONDO:0009945, OMIM 266100. Disease mechanism: loss of function.

gnomAD v4.1: 1 of 1,613,952 alleles (0.000062%); highest among the groups gnomAD compares: Non-Finnish European, 0.000085%; no homozygotes.

Submission:

Labcorp Genetics (formerly Invitae), Labcorp
Classification: Likely pathogenic for Pyridoxine-dependent epilepsy. Last evaluated: 2023-11-01. Review status: criteria provided, single submitter. Criteria: Invitae Variant Classification Sherloc (09022015). Collection method: clinical testing. Allele origin: germline.
Comment: This sequence change replaces arginine, which is basic and polar, with threonine, which is neutral and polar, at codon 329 of the ALDH7A1 protein (p.Arg329Thr). This variant is not present in population databases (gnomAD no frequency). This variant has not been reported in the literature in individuals affected with ALDH7A1-related conditions. Advanced modeling of protein sequence and biophysical properties (such as structural, functional, and spatial information, amino acid conservation, physicochemical variation, residue mobility, and thermodynamic stability) performed at Invitae indicates that this missense variant is expected to disrupt ALDH7A1 protein function with a positive predictive value of 95%. This variant disrupts the p.Arg329 amino acid residue in ALDH7A1. Other variant(s) that disrupt this residue have been determined to be pathogenic (PMID: 31737911; Invitae). This suggests that this residue is clinically significant, and that variants that disrupt this residue are likely to be disease-causing. In summary, the currently available evidence indicates that the variant is pathogenic, but additional data are needed to prove that conclusively. Therefore, this variant has been classified as Likely Pathogenic.

Literature cited by the submitters: PubMed 31737911.